The following is an entry in ClinVar:

NM_001164277.2(SLC37A4):c.626+14C>T

Gene: SLC37A4 (solute carrier family 37 member 4; minus strand). Cytogenetic location: 11q23.3.
Variant type: single nucleotide variant.
Coding change: c.626+14C>T on transcript NM_001164277.2 (MANE Select); 14 bases into the intron after coding-DNA position 626, C replaced by T.
Molecular consequence: intron variant.
Genome position (GRCh38, 1-based): chr11:119,027,614, G>A on the plus strand (C>T on the coding strand, the complement: SLC37A4 is on the minus strand). VCF-style: chr11-119027614-G-A. GRCh37 (hg19) VCF-style: chr11-118898324-G-A.
Other names: c.407+14C>T (NM_001164279.2); c.626+14C>T (NM_001467.6, NM_001164278.2, NM_001164280.2).
Identifiers: ClinVar variation 139189 (VCV000139189.18), dbSNP rs56394886, ClinGen allele CA293576.
Genomic context (GRCh38, chr11:119,027,614, plus strand): 5'-GCAAACGCCTAGTCTTCAACAAACATCTGCCTGCTAAATGAGTGCCCCAGTGGTCGGTCT[G>A]GGTGGGGGCTCACCCTTCTTGCCCTCAGAGGGCATGGGGTCCAGGTTGCGGAGTCCAACA-3'

ClinVar aggregate classification (germline): Benign/Likely benign. Review status: criteria provided, multiple submitters, no conflicts (2 of 4 stars). 8 submissions from 7 submitters: Benign (7); Likely benign (1). Last evaluated 2026-02-04.

Conditions:
Phosphate transport defect (GSD1C). Also called: GSD Ic; GLYCOGEN STORAGE DISEASE Ic. Identifiers: Orphanet 364, Orphanet 79259, MedGen C0342749, OMIM 232240.
Glucose-6-phosphate transport defect (GSD1B). Also called: Glycogen Storage Disease Type Ib; GSD Ib. Identifiers: Orphanet 364, Orphanet 79259, MedGen C0268146, MONDO:0009288, OMIM 232220.

Allele frequency attached by ClinVar (database versions not stated): ESP Exome Variant Server 0.00794; TOPMed 0.01066; gnomAD 0.01293 and 0.01342; gnomAD exomes 0.01398 and 0.01791; 1000 Genomes Project 30x 0.01749; ExAC 0.01770; 1000 Genomes Project 0.01817.

Submissions (8):

Labcorp Genetics (formerly Invitae), Labcorp
Classification: Benign for Glucose-6-phosphate transport defect. Last evaluated: 2026-02-04. Review status: criteria provided, single submitter. Criteria: Invitae Variant Classification Sherloc (09022015). Collection method: clinical testing. Allele origin: germline.

Blueprint Genetics
Classification: Likely benign. Last evaluated: 2024-11-27. Review status: criteria provided, single submitter. Criteria: ACMG Guidelines, 2015. Collection method: clinical testing. Allele origin: germline.

Genome-Nilou Lab
Classification: Benign for Glucose-6-phosphate transport defect. Last evaluated: 2021-07-01. Review status: criteria provided, single submitter. Criteria: ACMG Guidelines, 2015. Collection method: clinical testing. Allele origin: germline. Affected: no.

Genome-Nilou Lab
Classification: Benign for Phosphate transport defect. Last evaluated: 2021-07-01. Review status: criteria provided, single submitter. Criteria: ACMG Guidelines, 2015. Collection method: clinical testing. Allele origin: germline. Affected: no.

Eurofins Ntd Llc (ga)
Classification: Benign. Last evaluated: 2018-07-11. Review status: criteria provided, single submitter. Criteria: EGL ClinVar v180209 classification definitions. Collection method: clinical testing. Allele origin: germline. Observed: 9 variant alleles, 9 heterozygotes.

GeneDx
Classification: Benign. Last evaluated: 2013-09-25. Review status: criteria provided, single submitter. Criteria: GeneDx Variant Classification (06012015). Collection method: clinical testing. Allele origin: germline. Affected: yes.
Comment: This variant is considered likely benign or benign based on one or more of the following criteria: it is a conservative change, it occurs at a poorly conserved position in the protein, it is predicted to be benign by multiple in silico algorithms, and/or has population frequency not consistent with disease.

Breakthrough Genomics
Classification: Benign. Review status: criteria provided, single submitter. Criteria: ACMG Guidelines, 2015. Collection method: not provided. Allele origin: germline. Inheritance: Autosomal recessive inheritance. Affected: yes.

PreventionGenetics, part of Exact Sciences
Classification: Benign. Review status: criteria provided, single submitter. Criteria: ACMG Guidelines, 2015. Collection method: clinical testing. Allele origin: germline.